The following is an entry in ClinVar:

NM_170606.3(KMT2C):c.7336C>T (p.Pro2446Ser)

Gene: KMT2C (lysine methyltransferase 2C; minus strand). Cytogenetic location: 7q36.1.
Variant type: single nucleotide variant.
Coding change: c.7336C>T on transcript NM_170606.3 (MANE Select); coding-DNA position 7336, C replaced by T.
Protein change: p.Pro2446Ser; replaces proline 2446 with serine.
Molecular consequence: missense variant.
Genome position (GRCh38, 1-based): chr7:152,179,940, G>A on the plus strand (C>T on the coding strand, the complement: KMT2C is on the minus strand). VCF-style: chr7-152179940-G-A. GRCh37 (hg19) VCF-style: chr7-151877025-G-A.
Other names: short protein forms P2446S.
Identifiers: ClinVar variation 3535493 (VCV003535493.2).

ClinVar aggregate classification (germline): Uncertain significance. Review status: criteria provided, multiple submitters, no conflicts (2 of 4 stars). 2 submissions from 2 submitters: Uncertain significance (2). Last evaluated 2024-10-30.

Conditions:
Inborn genetic diseases. Identifiers: MedGen C0950123, MeSH D030342.

Submissions (2):

GeneDx
Classification: Uncertain significance. Last evaluated: 2024-10-30. Review status: criteria provided, single submitter. Criteria: GeneDx Variant Classification Process June 2021. Collection method: clinical testing. Allele origin: germline. Affected: yes.
Comment: Not observed at significant frequency in large population cohorts (gnomAD); In silico analysis supports that this missense variant has a deleterious effect on protein structure/function; Has not been previously published as pathogenic or benign to our knowledge

Ambry Genetics
Classification: Uncertain significance for Inborn genetic diseases. Last evaluated: 2024-08-14. Review status: criteria provided, single submitter. Criteria: Ambry Variant Classification Scheme 2023. Collection method: clinical testing. Allele origin: germline.